The following is an entry in ClinVar:

ClinVar aggregate classification (germline): Uncertain significance (1 of 4 stars; one submission).

gnomAD v4.1: 5 of 1,612,882 alleles (0.00031%); highest among the groups gnomAD compares: Non-Finnish European, 0.00042%; no homozygotes.

Submission:

Labcorp Genetics (formerly Invitae), Labcorp
Classification: Uncertain significance. Last evaluated: 2023-08-23. Review status: criteria provided, single submitter. Criteria: Invitae Variant Classification Sherloc (09022015). Collection method: clinical testing. Allele origin: germline.
Comment: In summary, the available evidence is currently insufficient to determine the role of this variant in disease. Therefore, it has been classified as a Variant of Uncertain Significance. Advanced modeling of protein sequence and biophysical properties (such as structural, functional, and spatial information, amino acid conservation, physicochemical variation, residue mobility, and thermodynamic stability) performed at Invitae indicates that this missense variant is not expected to disrupt CLCN7 protein function. This variant has not been reported in the literature in individuals affected with CLCN7-related conditions. This variant is not present in population databases (gnomAD no frequency). This sequence change replaces asparagine, which is neutral and polar, with serine, which is neutral and polar, at codon 576 of the CLCN7 protein (p.Asn576Ser).

NM_001287.6(CLCN7):c.1727A>G (p.Asn576Ser)

Gene: CLCN7 (chloride voltage-gated channel 7; minus strand). Cytogenetic location: 16p13.3.
Variant type: single nucleotide variant.
Coding change: c.1727A>G on transcript NM_001287.6 (MANE Select); coding-DNA position 1727, A replaced by G.
Protein change: p.Asn576Ser; replaces asparagine 576 with serine.
Molecular consequence: missense variant.
Genome position (GRCh38, 1-based): chr16:1,449,036, T>C on the plus strand (A>G on the coding strand, the complement: CLCN7 is on the minus strand). VCF-style: chr16-1449036-T-C. GRCh37 (hg19) VCF-style: chr16-1499037-T-C.
Other names: c.1655A>G, p.Asn552Ser (NM_001114331.3); short protein forms N552S, N576S.
Identifiers: ClinVar variation 2821401 (VCV002821401.3), dbSNP rs2505815912, ClinGen allele CA394186745.
Genomic context (GRCh38, chr16:1,449,036, plus strand): 5'-ACGTCGCCCACGATCTTGGCGGTCATGAGCACCAGCATGATGGGGAAGCCGTAGGTCACG[T>C]TGCTGGTGGCCTCCATCATGATGACGGTCAGGCTCAGTGTCATCCGCACAATCCCGCCTG-3'
Protein context (NP_001278.1, residues 566-586): LTVIMMEATS[Asn576Ser]VTYGFPIMLV